The following is an entry in ClinVar:

NM_001378120.1(MBD5):c.3786C>G (p.Asn1262Lys)

Gene: MBD5 (methyl-CpG binding domain protein 5; plus strand). Cytogenetic location: 2q23.1.
Variant type: single nucleotide variant.
Coding change: c.3786C>G on transcript NM_001378120.1 (MANE Select); coding-DNA position 3786, C replaced by G.
Protein change: p.Asn1262Lys; replaces asparagine 1262 with lysine.
Molecular consequence: missense variant.
Genome position (GRCh38, 1-based): chr2:148,489,418, C>G. VCF-style: chr2-148489418-C-G. GRCh37 (hg19) VCF-style: chr2-149246987-C-G.
Other names: p.N1029K:AAC>AAG; c.3087C>G, p.Asn1029Lys (NM_018328.5); short protein forms N1029K, N1262K.
Identifiers: ClinVar variation 206093 (VCV000206093.14), dbSNP rs771343592, ClinGen allele CA315842.

ClinVar aggregate classification (germline): Conflicting classifications of pathogenicity. Review status: criteria provided, conflicting classifications (1 of 4 stars). 3 submissions from 3 submitters: Uncertain significance (1); Likely benign (2). Last evaluated 2025-12-04.

Conditions:
Inborn genetic diseases. Identifiers: MedGen C0950123, MeSH D030342.
Intellectual developmental disorder, autosomal dominant 1. Also called: Intellectual disability, autosomal dominant 1; MBD5 Haploinsufficiency. Identifiers: Orphanet 228402, MedGen C1969562, MONDO:0007974, OMIM 156200.

Allele frequency attached by ClinVar (database versions not stated): gnomAD below 0.00001 and 0.00004; ExAC 0.00003; TOPMed 0.00003; gnomAD exomes 0.00006.
gnomAD v4.1: 55 of 1,614,132 alleles (0.0034%); highest among the groups gnomAD compares: South Asian, 0.045%; no homozygotes.

Submissions (3):

Labcorp Genetics (formerly Invitae), Labcorp
Classification: Likely benign for Intellectual developmental disorder, autosomal dominant 1. Last evaluated: 2025-12-04. Review status: criteria provided, single submitter. Criteria: Invitae Variant Classification Sherloc (09022015). Collection method: clinical testing. Allele origin: germline.

Ambry Genetics
Classification: Likely benign for Inborn genetic diseases. Last evaluated: 2024-07-01. Review status: criteria provided, single submitter. Criteria: Ambry Variant Classification Scheme 2023. Collection method: clinical testing. Allele origin: germline.

GeneDx
Classification: Uncertain significance. Last evaluated: 2014-09-26. Review status: criteria provided, single submitter. Criteria: GeneDx Variant Classification (06012015). Collection method: clinical testing. Allele origin: germline. Affected: yes.
Comment: p.Asn1029Lys (N1029K) AAC>AAG: c.3087 C>G in exon 12 of the MBD5 gene (NM_018328.4) The N1029K variant has not been published as a mutation, nor has it been reported as a benign polymorphism to our knowledge. It was not observed in approximately 6,500 individuals of European and African American ancestry in the NHLBI Exome Sequencing Project, indicating it is not a common benign variant in these populations. The N1029K variant is a semi-conservative amino acid substitution, which may impact secondary protein structure as these residues differ in some properties. This substitution occurs at a position that is conserved through mammals. In silico analysis predicts this variant is probably damaging to the protein structure/function. However, to our knowledge, only deletions and frameshift mutations in MBD5 have been published in association with epilepsy. Therefore, based on the currently available information, it is unclear whether this variant is a pathogenic mutation or a rare benign variant. The variant is found in INFANT-EPI panel(s).